The following is an entry in ClinVar:

ClinVar aggregate classification (germline): Uncertain significance. Review status: criteria provided, multiple submitters, no conflicts (2 of 4 stars). 2 submissions from 2 submitters: Uncertain significance (2). Last evaluated 2023-02-21.

Conditions:
Long QT syndrome (LQTS). Identifiers: MedGen C0023976, MeSH D008133, MONDO:0002442. Disease mechanism: loss of function. Inheritance: Various modes of inheritance.

Submissions (2):

Labcorp Genetics (formerly Invitae), Labcorp
Classification: Uncertain significance for Long QT syndrome. Last evaluated: 2023-02-21. Review status: criteria provided, single submitter. Criteria: Invitae Variant Classification Sherloc (09022015). Collection method: clinical testing. Allele origin: germline.
Comment: In summary, the available evidence is currently insufficient to determine the role of this variant in disease. Therefore, it has been classified as a Variant of Uncertain Significance. An algorithm developed to predict the effect of missense changes on protein structure and function (PolyPhen-2) suggests that this variant is likely to be disruptive. ClinVar contains an entry for this variant (Variation ID: 526993). This variant has not been reported in the literature in individuals affected with ANK2-related conditions. This variant is not present in population databases (gnomAD no frequency). This sequence change replaces arginine, which is basic and polar, with glycine, which is neutral and non-polar, at codon 2416 of the ANK2 protein (p.Arg2416Gly).

GeneDx
Classification: Uncertain significance. Last evaluated: 2019-04-11. Review status: criteria provided, single submitter. Criteria: GeneDx Variant Classification Process June 2021. Collection method: clinical testing. Allele origin: germline. Affected: yes.
Comment: Has not been previously published as pathogenic or benign to our knowledge; Not observed in large population cohorts (Lek et al., 2016); In silico analysis, which includes protein predictors and evolutionary conservation, supports that this variant does not alter protein structure/function

NM_001148.6(ANK2):c.7246C>G (p.Arg2416Gly)

Genes: ANK2 (ankyrin 2; plus strand), LOC126807137 (CDK7 strongly-dependent group 2 enhancer GRCh37_chr4:114276560-114277759; plus strand). Cytogenetic location: 4q26.
Variant type: single nucleotide variant.
Coding change: c.7246C>G on transcript NM_001148.6 (MANE Select); coding-DNA position 7246, C replaced by G.
Protein change: p.Arg2416Gly; replaces arginine 2416 with glycine.
Molecular consequence: missense variant. On other transcripts: intron variant (68).
Genome position (GRCh38, 1-based): chr4:113,355,864, C>G. VCF-style: chr4-113355864-C-G. GRCh37 (hg19) VCF-style: chr4-114277020-C-G.
Other names: c.7012C>G, p.Arg2338Gly (NM_001386142.1); c.3646C>G, p.Arg1216Gly (NM_001386166.1); c.7387C>G, p.Arg2463Gly (NM_001386174.1); c.7363C>G, p.Arg2455Gly (NM_001386175.1); c.4412-4959C>G (NM_001386186.2, NM_001386148.2); c.4214-4959C>G (NM_001354269.3); c.4292-4959C>G (NM_001386187.2); c.4253-4959C>G (NM_001386147.1); and 35 more; short protein forms R2416G, R1216G, R2338G, R2455G, R2463G.
Identifiers: ClinVar variation 526993 (VCV000526993.8), dbSNP rs1309568447, ClinGen allele CA357929928.